The following is an entry in ClinVar:

NM_145868.2(ANXA11):c.212C>T (p.Pro71Leu)

Gene: ANXA11 (annexin A11; minus strand). Cytogenetic location: 10q22.3.
Variant type: single nucleotide variant.
Coding change: c.212C>T on transcript NM_145868.2 (MANE Select); coding-DNA position 212, C replaced by T.
Protein change: p.Pro71Leu; replaces proline 71 with leucine.
Molecular consequence: missense variant.
Genome position (GRCh38, 1-based): chr10:80,169,318, G>A on the plus strand (C>T on the coding strand, the complement: ANXA11 is on the minus strand). VCF-style: chr10-80169318-G-A. GRCh37 (hg19) VCF-style: chr10-81929074-G-A.
Other names: c.212C>T, p.Pro71Leu (NM_145869.2, NM_001157.3, NM_001278407.2 and 1 more transcripts); c.113C>T, p.Pro38Leu (NM_001278409.2); short protein forms P38L, P71L.
Identifiers: ClinVar variation 3626350 (VCV003626350.2).

ClinVar aggregate classification (germline): Uncertain significance (1 of 4 stars; one submission).

gnomAD v4.1: 6 of 1,610,022 alleles (0.00037%); highest among the groups gnomAD compares: Non-Finnish European, 0.00051%; no homozygotes.

Submission:

Labcorp Genetics (formerly Invitae), Labcorp
Classification: Uncertain significance. Last evaluated: 2025-11-09. Review status: criteria provided, single submitter. Criteria: Invitae Variant Classification Sherloc (09022015). Collection method: clinical testing. Allele origin: germline.
Comment: This sequence change replaces proline, which is neutral and non-polar, with leucine, which is neutral and non-polar, at codon 71 of the ANXA11 protein (p.Pro71Leu). This variant is present in population databases (no rsID available, gnomAD 0.002%). This variant has not been reported in the literature in individuals affected with ANXA11-related conditions. ClinVar contains an entry for this variant (Variation ID: 3626350). Experimental studies and prediction algorithms are not available or were not evaluated, and the functional significance of this variant is currently unknown. In summary, the available evidence is currently insufficient to determine the role of this variant in disease. Therefore, it has been classified as a Variant of Uncertain Significance.